The following is an entry in ClinVar:

ClinVar aggregate classification (germline): Uncertain significance. Review status: criteria provided, multiple submitters, no conflicts (2 of 4 stars). 2 submissions from 2 submitters: Uncertain significance (2). Last evaluated 2021-12-07.

Conditions:
Inborn genetic diseases. Identifiers: MedGen C0950123, MeSH D030342.

Allele frequency attached by ClinVar (database versions not stated): gnomAD 0.00001 and 0.00005; gnomAD exomes 0.00001; TOPMed 0.00001; ExAC 0.00002; 1000 Genomes Project 30x 0.00021; 1000 Genomes Project 0.00026.
gnomAD v4.1: 13 of 1,205,792 alleles (0.0011%); highest among the groups gnomAD compares: East Asian, 0.012%; no homozygotes.

Submissions (2):

Ambry Genetics
Classification: Uncertain significance for Inborn genetic diseases. Last evaluated: 2021-12-07. Review status: criteria provided, single submitter. Criteria: Ambry Variant Classification Scheme 2023. Collection method: clinical testing. Allele origin: germline.

GeneDx
Classification: Uncertain significance. Last evaluated: 2017-01-13. Review status: criteria provided, single submitter. Criteria: GeneDx Variant Classification (06012015). Collection method: clinical testing. Allele origin: germline. Affected: yes.
Comment: The A814T variant in the ATP2B3 gene has not been reported previously as a pathogenic variant, nor as a benign variant, to our knowledge. The A814T variant was not observed in approximately 6500 individuals of European and African American ancestry in the NHLBI Exome Sequencing Project, indicating it is not a common benign variant in these populations. The A814T variant is a non-conservative amino acid substitution, which is likely to impact secondary protein structure as these residues differ in polarity, charge, size and/or other properties. This substitution occurs at a position that is conserved across species, and in silico analysis predicts this variant is probably damaging to the protein structure/function. We interpret A814T as a variant of uncertain significance.

NM_001001344.3(ATP2B3):c.2440G>A (p.Ala814Thr)

Gene: ATP2B3 (ATPase plasma membrane Ca2+ transporting 3; plus strand). Cytogenetic location: Xq28.
Variant type: single nucleotide variant.
Coding change: c.2440G>A on transcript NM_001001344.3 (MANE Select); coding-DNA position 2440, G replaced by A.
Protein change: p.Ala814Thr; replaces alanine 814 with threonine.
Molecular consequence: missense variant.
Genome position (GRCh38, 1-based): chrX:153,558,118, G>A. VCF-style: chrX-153558118-G-A. GRCh37 (hg19) VCF-style: chrX-152823576-G-A.
Other names: c.2440G>A, p.Ala814Thr (NM_001388360.1, NM_001388361.1, NM_001388362.1 and 1 more transcripts); short protein forms A814T.
Identifiers: ClinVar variation 392791 (VCV000392791.5), dbSNP rs782219358, ClinGen allele CA10547989.